The following is an entry in ClinVar:

ClinVar aggregate classification (germline): Uncertain significance (1 of 4 stars; one submission).

Conditions:
Joubert syndrome 21 (JBTS21). Identifiers: MedGen C3810212, MONDO:0014288, OMIM 615636.

gnomAD v4.1: 1 of 1,609,256 alleles (0.000062%); highest among the groups gnomAD compares: African/African-American, 0.0013%; no homozygotes.

Submission:

Labcorp Genetics (formerly Invitae), Labcorp
Classification: Uncertain significance for Joubert syndrome 21. Last evaluated: 2022-05-06. Review status: criteria provided, single submitter. Criteria: Invitae Variant Classification Sherloc (09022015). Collection method: clinical testing. Allele origin: germline.
Comment: This sequence change replaces methionine, which is neutral and non-polar, with threonine, which is neutral and polar, at codon 1047 of the CSPP1 protein (p.Met1047Thr). In summary, the available evidence is currently insufficient to determine the role of this variant in disease. Therefore, it has been classified as a Variant of Uncertain Significance. Algorithms developed to predict the effect of missense changes on protein structure and function output the following: SIFT: "Tolerated"; PolyPhen-2: "Benign"; Align-GVGD: "Class C0". The threonine amino acid residue is found in multiple mammalian species, which suggests that this missense change does not adversely affect protein function. This variant has not been reported in the literature in individuals affected with CSPP1-related conditions. This variant is present in population databases (no rsID available, gnomAD 0.007%).

NM_001382391.1(CSPP1):c.3155T>C (p.Met1052Thr)

Genes: ARFGEF1 (ARF guanine nucleotide exchange factor 1; minus strand), CSPP1 (centrosome and spindle pole associated protein 1; plus strand). Cytogenetic location: 8q13.2.
Variant type: single nucleotide variant.
Coding change: c.3155T>C on transcript NM_001382391.1 (MANE Select); coding-DNA position 3155, T replaced by C.
Protein change: p.Met1052Thr; replaces methionine 1052 with threonine.
Molecular consequence: missense variant. On other transcripts: intron variant (2).
Genome position (GRCh38, 1-based): chr8:67,177,725, T>C. VCF-style: chr8-67177725-T-C. GRCh37 (hg19) VCF-style: chr8-68089960-T-C.
Other names: c.2105T>C, p.Met702Thr (NM_001291339.2); c.3074T>C, p.Met1025Thr (NM_001363131.2); c.2960T>C, p.Met987Thr (NM_001363132.2); c.2879T>C, p.Met960Thr (NM_001363133.2); c.3221T>C, p.Met1074Thr (NM_001364869.1); c.3041T>C, p.Met1014Thr (NM_001364870.1); c.2987T>C, p.Met996Thr (NM_001438330.1); c.3140T>C, p.Met1047Thr (NM_001438331.1, NM_024790.7); and 3 more; short protein forms M1014T, M1025T, M1047T, M1074T, M702T, M987T, M960T, M1052T.
Identifiers: ClinVar variation 2134609 (VCV002134609.4), dbSNP rs1404861433, ClinGen allele CA371198216.